The following is an entry in ClinVar:

NM_006059.4(LAMC3):c.2361G>C (p.Glu787Asp)

Gene: LAMC3 (laminin subunit gamma 3; plus strand). Cytogenetic location: 9q34.12.
Variant type: single nucleotide variant.
Coding change: c.2361G>C on transcript NM_006059.4 (MANE Select); coding-DNA position 2361, G replaced by C.
Protein change: p.Glu787Asp; replaces glutamic acid 787 with aspartic acid.
Molecular consequence: missense variant.
Genome position (GRCh38, 1-based): chr9:131,066,973, G>C. VCF-style: chr9-131066973-G-C. GRCh37 (hg19) VCF-style: chr9-133942360-G-C.
Other names: short protein forms E787D.
Identifiers: ClinVar variation 1525420 (VCV001525420.4), dbSNP rs202008283, ClinGen allele CA5287423.
Genomic context (GRCh38, chr9:131,066,973, plus strand): 5'-TGGGTCCAGCCAGCTGTGTTCCCCACACGTGCTCCCTCTACACACAGGGCGGCGCTGTGA[G>C]GTCTGTGATGATGGCTTTTTTGGGGACCCGCTGGGGCTCTTTGGGCACCCCCAGCCCTGC-3'
Protein context (NP_006050.3, residues 777-797): CPPGQRGRRC[Glu787Asp]VCDDGFFGDP

ClinVar aggregate classification (germline): Uncertain significance (1 of 4 stars; one submission).

Allele frequency attached by ClinVar (database versions not stated): ESP Exome Variant Server 0.00015; gnomAD 0.00086.
gnomAD v4.1: 138 of 1,613,824 alleles (0.0086%); highest among the groups gnomAD compares: Admixed American, 0.01%; 6 homozygotes.

Submission:

Labcorp Genetics (formerly Invitae), Labcorp
Classification: Uncertain significance. Last evaluated: 2025-01-06. Review status: criteria provided, single submitter. Criteria: Invitae Variant Classification Sherloc (09022015). Collection method: clinical testing. Allele origin: germline.
Comment: This sequence change replaces glutamic acid, which is acidic and polar, with aspartic acid, which is acidic and polar, at codon 787 of the LAMC3 protein (p.Glu787Asp). This variant is present in population databases (rs202008283, gnomAD 0.01%). This variant has not been reported in the literature in individuals affected with LAMC3-related conditions. ClinVar contains an entry for this variant (Variation ID: 1525420). An algorithm developed to predict the effect of missense changes on protein structure and function (PolyPhen-2) suggests that this variant is likely to be disruptive. In summary, the available evidence is currently insufficient to determine the role of this variant in disease. Therefore, it has been classified as a Variant of Uncertain Significance.